The following is an entry in ClinVar:

ClinVar aggregate classification (germline): Pathogenic (1 of 4 stars; one submission).

Submission:

GeneDx
Classification: Pathogenic. Last evaluated: 2018-09-10. Review status: criteria provided, single submitter. Criteria: GeneDx Variant Classification (06012015). Collection method: clinical testing. Allele origin: germline. Affected: yes.
Comment: The c.16209_16222del14 pathogenic variant in the KMT2D gene causes a frameshift starting with codon Serine 5404, changes this amino acid to a Proline residue and creates a premature Stop codon at position 50 of the new reading frame, denoted p.Ser5404ProfsX50. This pathogenic variant is predicted to cause loss of normal protein function either through protein truncation or nonsense-mediated mRNA decay. The c.16209_16222del14 variant is not observed in large population cohorts (Lek et al., 2016).

NM_003482.4(KMT2D):c.16209_16222del (p.Ser5404fs)

Gene: KMT2D (lysine methyltransferase 2D; minus strand). Cytogenetic location: 12q13.12.
Variant type: Deletion.
Coding change: c.16209_16222del on transcript NM_003482.4 (MANE Select); coding-DNA positions 16209 to 16222, 14 bases deleted (CTCCCGTATCCAGG).
Protein change: p.Ser5404fs; shifts the reading frame from serine 5404.
Molecular consequence: frameshift variant.
Genome position (GRCh38, 1-based): chr12:49,022,706-49,022,719, CCTGGATACGGGAG deleted on the plus strand (CTCCCGTATCCAGG on the coding strand, the reverse complement: KMT2D is on the minus strand); deleting any 14 consecutive bases within chr12:49,022,706-49,022,720 gives the same sequence; the c. name uses the placement nearest the transcript's 3' end. VCF-style (leftmost placement, unchanged base first): chr12-49022705-CCCTGGATACGGGAG-C. GRCh37 (hg19) VCF-style: chr12-49416488-CCCTGGATACGGGAG-C.
Other names: short protein forms S5404fs.
Identifiers: ClinVar variation 817217 (VCV000817217.1), dbSNP rs1592099335, ClinGen allele CA915948265.